The following is an entry in ClinVar:

ClinVar aggregate classification (germline): Uncertain significance (1 of 4 stars; one submission).

Conditions:
Charcot-Marie-Tooth disease type 4. Also called: Charcot-Marie-Tooth disease, type IV; Charcot-Marie-Tooth, Type 4. Identifiers: Orphanet 64749, MedGen C4082197, MONDO:0018995.

Allele frequency attached by ClinVar (database versions not stated): gnomAD exomes 0.00001; ExAC 0.00002.
gnomAD v4.1: 9 of 1,595,772 alleles (0.00056%); highest among the groups gnomAD compares: East Asian, 0.018%; no homozygotes.

Submission:

Labcorp Genetics (formerly Invitae), Labcorp
Classification: Uncertain significance for Charcot-Marie-Tooth disease type 4. Last evaluated: 2021-08-26. Review status: criteria provided, single submitter. Criteria: Invitae Variant Classification Sherloc (09022015). Collection method: clinical testing. Allele origin: germline.
Comment: Variants that disrupt the consensus splice site are a relatively common cause of aberrant splicing (PMID: 17576681, 9536098). Algorithms developed to predict the effect of sequence changes on RNA splicing suggest that this variant is not likely to affect RNA splicing. In summary, the available evidence is currently insufficient to determine the role of this variant in disease. Therefore, it has been classified as a Variant of Uncertain Significance. This sequence change falls in intron 1 of the SH3TC2 gene. It does not directly change the encoded amino acid sequence of the SH3TC2 protein. It affects a nucleotide within the consensus splice site of the intron. This variant is present in population databases (rs771541595, ExAC 0.02%). This variant has not been reported in the literature in individuals affected with SH3TC2-related conditions.

Literature cited by the submitters: PubMed 17576681; PubMed 9536098.

NM_024577.4(SH3TC2):c.53-3C>T

Gene: SH3TC2 (SH3 domain and tetratricopeptide repeats 2; minus strand). Cytogenetic location: 5q32.
Variant type: single nucleotide variant.
Coding change: c.53-3C>T on transcript NM_024577.4 (MANE Select); 3 bases into the intron before coding-DNA position 53, C replaced by T.
Molecular consequence: intron variant.
Genome position (GRCh38, 1-based): chr5:149,052,243, G>A on the plus strand (C>T on the coding strand, the complement: SH3TC2 is on the minus strand). VCF-style: chr5-149052243-G-A. GRCh37 (hg19) VCF-style: chr5-148431806-G-A.
Identifiers: ClinVar variation 1413482 (VCV001413482.6), dbSNP rs771541595, ClinGen allele CA3499640.